The following is an entry in ClinVar:

NM_006415.4(SPTLC1):c.1225G>A (p.Val409Ile)

Gene: SPTLC1 (serine palmitoyltransferase long chain base subunit 1; minus strand). Cytogenetic location: 9q22.31.
Variant type: single nucleotide variant.
Coding change: c.1225G>A on transcript NM_006415.4 (MANE Select); coding-DNA position 1225, G replaced by A.
Protein change: p.Val409Ile; replaces valine 409 with isoleucine.
Molecular consequence: missense variant.
Genome position (GRCh38, 1-based): chr9:92,038,277, C>T on the plus strand (G>A on the coding strand, the complement: SPTLC1 is on the minus strand). VCF-style: chr9-92038277-C-T. GRCh37 (hg19) VCF-style: chr9-94800559-C-T.
Other names: c.1225G>A, p.Val409Ile (NM_001281303.2); c.859G>A, p.Val287Ile (NM_001368272.1); c.760G>A, p.Val254Ile (NM_001368273.1); short protein forms V254I, V287I, V409I.
Identifiers: ClinVar variation 3339336 (VCV003339336.1).
Genomic context (GRCh38, chr9:92,038,277, plus strand): 5'-GGGGGGATGCCTCAAGTCAACGGATACTTACTTGATCTACAATTTCCTGAAGCAGTCTGA[C>T]ATCTTGCTCGCGAGACCCAGTGCTCTCTTCCAGTTGTAGGTGAAAGGCTGGAGAAAGGGA-3'
Protein context (NP_006406.1, residues 399-419): EESTGSREQD[Val409Ile]RLLQEIVDQC

ClinVar aggregate classification (germline): Uncertain significance (1 of 4 stars; one submission).

gnomAD v4.1: 1 of 1,614,078 alleles (0.000062%); highest among the groups gnomAD compares: Non-Finnish European, 0.000085%; no homozygotes.

Submission:

Women's Health and Genetics/Laboratory Corporation of America, LabCorp
Classification: Uncertain significance. Last evaluated: 2024-07-25. Review status: criteria provided, single submitter. Criteria: LabCorp Variant Classification Summary - May 2015. Collection method: clinical testing. Allele origin: germline.
Comment: Variant summary: SPTLC1 c.1225G>A (p.Val409Ile) results in a conservative amino acid change located in the Aminotransferase, class I/classII, large domain (IPR050087) of the encoded protein sequence. Five of five in-silico tools predict a benign effect of the variant on protein function. The variant was absent in 251492 control chromosomes. The available data on variant occurrences in the general population are insufficient to allow any conclusion about variant significance. To our knowledge, no occurrence of c.1225G>A in individuals affected with Neuropathy, Hereditary Sensory And Autonomic, Type 1A and no experimental evidence demonstrating its impact on protein function have been reported. No submitters have cited clinical-significance assessments for this variant to ClinVar. Based on the evidence outlined above, the variant was classified as uncertain significance.